The following is an entry in ClinVar:

NM_005529.7(HSPG2):c.7498G>A (p.Glu2500Lys)

Gene: HSPG2 (heparan sulfate proteoglycan 2; minus strand). Cytogenetic location: 1p36.12.
Variant type: single nucleotide variant.
Coding change: c.7498G>A on transcript NM_005529.7 (MANE Select); coding-DNA position 7498, G replaced by A.
Protein change: p.Glu2500Lys; replaces glutamic acid 2500 with lysine.
Molecular consequence: missense variant.
Genome position (GRCh38, 1-based): chr1:21,848,980, C>T on the plus strand (G>A on the coding strand, the complement: HSPG2 is on the minus strand). VCF-style: chr1-21848980-C-T. GRCh37 (hg19) VCF-style: chr1-22175473-C-T.
Other names: c.7501G>A, p.Glu2501Lys (NM_001291860.2); c.7498G>A (NM_005529.5); short protein forms E2500K, E2501K.
Identifiers: ClinVar variation 1036714 (VCV001036714.7), dbSNP rs570531508, ClinGen allele CA671155.
Genomic context (GRCh38, chr1:21,848,980, plus strand): 5'-TGGTGACAAGGACTGAGGCTTCCTGGGTACCTGAGCTGCCGACCACACGGCACACGTACT[C>T]CCCTGAATCAGCTGGGGTCACCTGGAGCAGGCGTAGCCTCGAGCCATGCACCTGGGAGGG-3'
Protein context (NP_005520.4, residues 2490-2510): LLQVTPADSG[Glu2500Lys]YVCRVVGSSG

ClinVar aggregate classification (germline): Uncertain significance. Review status: criteria provided, multiple submitters, no conflicts (2 of 4 stars). 2 submissions from 2 submitters: Uncertain significance (2). Last evaluated 2025-08-05.

Conditions:
Inborn genetic diseases. Identifiers: MedGen C0950123, MeSH D030342.

Allele frequency attached by ClinVar (database versions not stated): ExAC 0.00002; gnomAD 0.00002 and 0.00003; gnomAD exomes 0.00004; TOPMed 0.00009; 1000 Genomes Project 0.00040; 1000 Genomes Project 30x 0.00047.
gnomAD v4.1: 20 of 1,614,066 alleles (0.0012%); highest among the groups gnomAD compares: Admixed American, 0.027%; no homozygotes.

Submissions (2):

Ambry Genetics
Classification: Uncertain significance for Inborn genetic diseases. Last evaluated: 2025-08-05. Review status: criteria provided, single submitter. Criteria: Ambry Variant Classification Scheme 2023. Collection method: clinical testing. Allele origin: germline.

Labcorp Genetics (formerly Invitae), Labcorp
Classification: Uncertain significance. Last evaluated: 2021-08-31. Review status: criteria provided, single submitter. Criteria: Invitae Variant Classification Sherloc (09022015). Collection method: clinical testing. Allele origin: germline.
Comment: This sequence change replaces glutamic acid with lysine at codon 2500 of the HSPG2 protein (p.Glu2500Lys). The glutamic acid residue is moderately conserved and there is a small physicochemical difference between glutamic acid and lysine. This variant is present in population databases (rs570531508, ExAC 0.03%). This variant has not been reported in the literature in individuals affected with HSPG2-related conditions. Algorithms developed to predict the effect of missense changes on protein structure and function are either unavailable or do not agree on the potential impact of this missense change (SIFT: "Tolerated"; PolyPhen-2: "Probably Damaging"; Align-GVGD: "Class C0"). In summary, the available evidence is currently insufficient to determine the role of this variant in disease. Therefore, it has been classified as a Variant of Uncertain Significance.